The following is an entry in ClinVar:

NM_000455.5(STK11):c.*4del

Gene: STK11 (serine/threonine kinase 11; plus strand). Cytogenetic location: 19p13.3.
Variant type: Deletion.
Coding change: c.*4del on transcript NM_000455.5 (MANE Select); 4 bases downstream of the stop codon, one base deleted (T; older notation c.*4delT).
Molecular consequence: 3 prime UTR variant.
Genome position (GRCh38, 1-based): chr19:1,226,651, T deleted. VCF-style (leftmost placement, unchanged base first): chr19-1226650-CT-C. GRCh37 (hg19) VCF-style: chr19-1226649-CT-C.
Other names: c.*4delT (NM_000455.4).
Identifiers: ClinVar variation 486521 (VCV000486521.13), dbSNP rs1235043828, ClinGen allele CA631034282.

ClinVar aggregate classification (germline): Conflicting classifications of pathogenicity. Review status: criteria provided, conflicting classifications (1 of 4 stars). 5 submissions from 5 submitters: Uncertain significance (4); Benign (1). Last evaluated 2025-03-31.

Conditions:
Hereditary cancer-predisposing syndrome. Also called: Tumor predisposition; Neoplastic Syndromes, Hereditary; Hereditary Cancer Syndrome; Hereditary neoplastic syndrome. Identifiers: Orphanet 140162, MedGen C0027672, MeSH D009386, MONDO:0015356.
Peutz-Jeghers syndrome (PJS). Also called: POLYPOSIS, HAMARTOMATOUS INTESTINAL; POLYPS-AND-SPOTS SYNDROME; Peutz-Jeghers polyposis; Periorificial lentiginosis syndrome. Identifiers: Orphanet 2869, MedGen C0031269, MeSH D010580, MONDO:0008280, OMIM 175200.

Allele frequency attached by ClinVar (database versions not stated): gnomAD exomes 0.00001; TOPMed 0.00001; gnomAD 0.00003 and 0.00001.

Submissions (5):

Myriad Genetics, Inc.
Classification: Benign for Peutz-Jeghers syndrome. Last evaluated: 2025-03-31. Review status: criteria provided, single submitter. Criteria: Myriad Autosomal Dominant, Autosomal Recessive and X-Linked Classification Criteria (2023). Collection method: clinical testing. Allele origin: unknown.
Comment: This variant is considered benign. This variant occurs in the non-coding 3' untranslated region of the gene, and is not expected to impact protein function.

Color Diagnostics, LLC DBA Color Health
Classification: Uncertain significance for Hereditary cancer-predisposing syndrome. Last evaluated: 2024-03-11. Review status: criteria provided, single submitter. Criteria: ACMG Guidelines, 2015. Collection method: clinical testing. Allele origin: germline.
Comment: This variant is located 4 nucleotides downstream of the termination codon in the 3' untranslated region of the STK11 gene. To our knowledge, functional studies have not been reported for this variant. This variant has not been reported in individuals affected with STK11-related disorders in the literature. This variant has been identified in 1/116254 chromosomes in the general population by the Genome Aggregation Database (gnomAD). The available evidence is insufficient to determine the role of this variant in disease conclusively. Therefore, this variant is classified as a Variant of Uncertain Significance.

MGZ Medical Genetics Center
Classification: Uncertain significance for Peutz-Jeghers syndrome. Last evaluated: 2021-12-27. Review status: criteria provided, single submitter. Criteria: ACMG Guidelines, 2015. Collection method: clinical testing. Allele origin: germline. Affected: yes. Observed: 1 variant allele.
Comment: ACMG criteria applied: PM2_SUP

Genome-Nilou Lab
Classification: Uncertain significance for Peutz-Jeghers syndrome. Last evaluated: 2021-07-15. Review status: criteria provided, single submitter. Criteria: ACMG Guidelines, 2015. Collection method: clinical testing. Allele origin: germline. Affected: no.

Ambry Genetics
Classification: Uncertain significance for Hereditary cancer-predisposing syndrome. Last evaluated: 2016-05-25. Review status: criteria provided, single submitter. Criteria: Ambry Variant Classification Scheme 2023. Collection method: clinical testing. Allele origin: germline.
Comment: The c.*4delT variant is located in the 3' untranslated region (3'UTR) of the STK11 gene and results from the deletion of the T nucleotide located 4 nucleotides downstream of the last translated codon. This variant was not reported in population based cohorts in the following databases: Database of Single Nucleotide Polymorphisms (dbSNP), NHLBI Exome Sequencing Project (ESP), and 1000 Genomes Project. To date, this alteration has been detected with an allele frequency of approximately 0.001% (greater than 125000 alleles tested) in our clinical cohort. This deletion occurs within the non-coding region of the gene and is not anticipated to disrupt gene function. However, since supporting evidence is limited at this time, the clinical significance of the c.*4delT variant remains unclear.